The following is an entry in ClinVar:

NM_000263.4(NAGLU):c.2185A>C (p.Lys729Gln)

Gene: NAGLU (N-acetyl-alpha-glucosaminidase; plus strand). Cytogenetic location: 17q21.2.
Variant type: single nucleotide variant.
Coding change: c.2185A>C on transcript NM_000263.4 (MANE Select); coding-DNA position 2185, A replaced by C.
Protein change: p.Lys729Gln; replaces lysine 729 with glutamine.
Molecular consequence: missense variant.
Genome position (GRCh38, 1-based): chr17:42,544,191, A>C. VCF-style: chr17-42544191-A-C. GRCh37 (hg19) VCF-style: chr17-40696209-A-C.
Other names: short protein forms K729Q.
Identifiers: ClinVar variation 889269 (VCV000889269.6), dbSNP rs144807822, ClinGen allele CA8577154.
Genomic context (GRCh38, chr17:42,544,191, plus strand): 5'-GTTCTCAGCAAGCAGAGGTACCCCAGCCAGCCGCGAGGAGACACTGTGGACCTGGCCAAG[A>C]AGATCTTCCTCAAATATTACCCCCGCTGGGTGGCCGGCTCTTGGTGATAGATTCGCCACC-3'
Protein context (NP_000254.2, residues 719-739): PRGDTVDLAK[Lys729Gln]IFLKYYPRWV

ClinVar aggregate classification (germline): Uncertain significance. Review status: criteria provided, multiple submitters, no conflicts (2 of 4 stars). 3 submissions from 3 submitters: Uncertain significance (3). Last evaluated 2024-09-19.

Conditions:
Mucopolysaccharidosis, MPS-III-B (MPS3B). Also called: MUCOPOLYSACCHARIDOSIS, TYPE IIIB; N-ACETYL-ALPHA-D-GLUCOSAMINIDASE DEFICIENCY; NAGLU DEFICIENCY; SANFILIPPO SYNDROME B; MPS III B; Mucopolysaccharidosis type IIIB (Sanfilippo B). Identifiers: Orphanet 79270, MedGen C0086648, MONDO:0009656, OMIM 252920.
Charcot-Marie-Tooth disease axonal type 2V. Also called: CHARCOT-MARIE-TOOTH NEUROPATHY, TYPE 2V; CHARCOT-MARIE-TOOTH DISEASE, AXONAL, AUTOSOMAL DOMINANT, TYPE 2V. Identifiers: Orphanet 447964, MedGen C5569050, MONDO:0014665, OMIM 616491.

Allele frequency attached by ClinVar (database versions not stated): ExAC 0.00006; gnomAD exomes 0.00007 and 0.00006; TOPMed 0.00008; ESP Exome Variant Server 0.00008; gnomAD 0.00004.
gnomAD v4.1: 97 of 1,612,838 alleles (0.006%); highest among the groups gnomAD compares: Non-Finnish European, 0.0077%; no homozygotes.

Submissions (3):

Blueprint Genetics
Classification: Uncertain significance. Last evaluated: 2024-09-19. Review status: criteria provided, single submitter. Criteria: ACMG Guidelines, 2015. Collection method: clinical testing. Allele origin: germline.

Labcorp Genetics (formerly Invitae), Labcorp
Classification: Uncertain significance for Charcot-Marie-Tooth disease axonal type 2V; Mucopolysaccharidosis, MPS-III-B. Last evaluated: 2022-09-07. Review status: criteria provided, single submitter. Criteria: Invitae Variant Classification Sherloc (09022015). Collection method: clinical testing. Allele origin: germline.
Comment: This sequence change replaces lysine, which is basic and polar, with glutamine, which is neutral and polar, at codon 729 of the NAGLU protein (p.Lys729Gln). This variant is present in population databases (rs144807822, gnomAD 0.01%). This variant has not been reported in the literature in individuals affected with NAGLU-related conditions. ClinVar contains an entry for this variant (Variation ID: 889269). Algorithms developed to predict the effect of missense changes on protein structure and function (SIFT, PolyPhen-2, Align-GVGD) all suggest that this variant is likely to be tolerated. In summary, the available evidence is currently insufficient to determine the role of this variant in disease. Therefore, it has been classified as a Variant of Uncertain Significance.

Illumina Laboratory Services, Illumina
Classification: Uncertain significance for Mucopolysaccharidosis, MPS-III-B. Last evaluated: 2017-04-28. Review status: criteria provided, single submitter. Criteria: ICSL Variant Classification Criteria 13 December 2019. Collection method: clinical testing. Allele origin: germline.